The following is an entry in ClinVar:

NM_052867.4(NALCN):c.2580-7C>T

Gene: NALCN (sodium leak channel, non-selective; minus strand). Cytogenetic location: 13q33.1.
Variant type: single nucleotide variant.
Coding change: c.2580-7C>T on transcript NM_052867.4 (MANE Select); 7 bases into the intron before coding-DNA position 2580, C replaced by T.
Molecular consequence: intron variant.
Genome position (GRCh38, 1-based): chr13:101,104,957, G>A on the plus strand (C>T on the coding strand, the complement: NALCN is on the minus strand). VCF-style: chr13-101104957-G-A. GRCh37 (hg19) VCF-style: chr13-101757308-G-A.
Other names: c.2493-7C>T (NM_001350751.2, NM_001350750.2); c.2580-7C>T (NM_001350749.2, NM_052867.2); c.2667-7C>T (NM_001350748.2).
Identifiers: ClinVar variation 1215155 (VCV001215155.10), dbSNP rs368616205, ClinGen allele CA7035644.

ClinVar aggregate classification (germline): Likely benign. Review status: criteria provided, multiple submitters, no conflicts (2 of 4 stars). 3 submissions from 3 submitters: Likely benign (2). 1 of the submissions does not count toward it. Last evaluated 2024-10-07.

Conditions:
NALCN-related disorder. Also called: NALCN-related disorders; NALCN-related condition.

Allele frequency attached by ClinVar (database versions not stated): ExAC 0.00002; gnomAD exomes 0.00002; ESP Exome Variant Server 0.00008; gnomAD 0.00008; TOPMed 0.00009.
gnomAD v4.1: 35 of 1,612,410 alleles (0.0022%); highest among the groups gnomAD compares: Admixed American, 0.018%; no homozygotes.

Submissions (3):

Labcorp Genetics (formerly Invitae), Labcorp
Classification: Likely benign. Last evaluated: 2024-10-07. Review status: criteria provided, single submitter. Criteria: Invitae Variant Classification Sherloc (09022015). Collection method: clinical testing. Allele origin: germline.

GeneDx
Classification: Likely benign. Last evaluated: 2019-01-16. Review status: criteria provided, single submitter. Criteria: GeneDx Variant Classification Process June 2021. Collection method: clinical testing. Allele origin: germline. Affected: yes.

PreventionGenetics, part of Exact Sciences
Classification: Likely benign for NALCN-related condition. Last evaluated: 2019-06-03. Review status: no assertion criteria provided. Collection method: clinical testing. Allele origin: germline. Not counted in ClinVar's aggregate classification.
Comment: This variant is classified as likely benign based on ACMG/AMP sequence variant interpretation guidelines (Richards et al. 2015 PMID: 25741868, with internal and published modifications).